The following is an entry in ClinVar:

NM_017612.5(ZCCHC8):c.1642C>T (p.Pro548Ser)

Gene: ZCCHC8 (zinc finger CCHC-type containing 8; minus strand). Cytogenetic location: 12q24.31.
Variant type: single nucleotide variant.
Coding change: c.1642C>T on transcript NM_017612.5 (MANE Select); coding-DNA position 1642, C replaced by T.
Protein change: p.Pro548Ser; replaces proline 548 with serine.
Molecular consequence: missense variant.
Genome position (GRCh38, 1-based): chr12:122,473,979, G>A on the plus strand (C>T on the coding strand, the complement: ZCCHC8 is on the minus strand). VCF-style: chr12-122473979-G-A. GRCh37 (hg19) VCF-style: chr12-122958526-G-A.
Other names: p.Pro548Ser; c.1411C>T, p.Pro471Ser (NM_001350935.2); c.1345C>T, p.Pro449Ser (NM_001350936.2); c.928C>T, p.Pro310Ser (NM_001350937.2, NM_001350938.2); short protein forms P449S, P471S, P310S, P548S.
Identifiers: ClinVar variation 786424 (VCV000786424.36), dbSNP rs150057798, ClinGen allele CA6846117.

ClinVar aggregate classification (germline): Likely benign. Review status: criteria provided, multiple submitters, no conflicts (2 of 4 stars). 5 submissions from 5 submitters: Likely benign (5). Last evaluated 2026-06-01.

Allele frequency attached by ClinVar (database versions not stated): 1000 Genomes Project 0.00080; 1000 Genomes Project 30x 0.00109; TOPMed 0.00272; ESP Exome Variant Server 0.00329; gnomAD exomes 0.00365.
gnomAD v4.1: 5,615 of 1,599,504 alleles (0.35%); highest among the groups gnomAD compares: Non-Finnish European, 0.43%; 11 homozygotes.

Submissions (5):

CeGaT Center for Human Genetics Tuebingen
Classification: Likely benign. Last evaluated: 2026-06-01. Review status: criteria provided, single submitter. Criteria: CeGaT Center For Human Genetics Tuebingen Variant Classification Criteria Version 2. Collection method: clinical testing. Allele origin: germline. Affected: yes. Observed: 3 variant alleles.
Comment: ZCCHC8: BP4, BS1

Labcorp Genetics (formerly Invitae), Labcorp
Classification: Likely benign. Last evaluated: 2026-01-28. Review status: criteria provided, single submitter. Criteria: Invitae Variant Classification Sherloc (09022015). Collection method: clinical testing. Allele origin: germline.

Mayo Clinic Laboratories, Mayo Clinic
Classification: Likely benign. Last evaluated: 2025-08-13. Review status: criteria provided, single submitter. Criteria: ACMG Guidelines, 2015. Collection method: clinical testing. Allele origin: germline. Observed: 2 variant alleles.
Comment: BS2, BP4

Blueprint Genetics
Classification: Likely benign. Last evaluated: 2024-11-21. Review status: criteria provided, single submitter. Criteria: ACMG Guidelines, 2015. Collection method: clinical testing. Allele origin: germline.

Breakthrough Genomics
Classification: Likely benign. Review status: criteria provided, single submitter. Criteria: ACMG Guidelines, 2015. Collection method: not provided. Allele origin: germline. Inheritance: Autosomal dominant inheritance. Affected: yes.

Literature cited by the submitters: PubMed 33809641 (cited by Mayo Clinic Laboratories, Mayo Clinic).